The following is an entry in ClinVar:

ClinVar aggregate classification (germline): Uncertain significance. Review status: criteria provided, multiple submitters, no conflicts (2 of 4 stars). 4 submissions from 4 submitters: Uncertain significance (4). Last evaluated 2026-06-08.

Conditions:
Cardiovascular phenotype. Identifiers: MedGen CN230736.
ENG-related disorder. Also called: ENG-related condition; ENG-related disorders.
Hereditary hemorrhagic telangiectasia (HHT). Also called: ORW DISEASE; Osler Weber Rendu syndrome; OSLER-RENDU-WEBER DISEASE; Osler hemorrhagic telangiectasia syndrome. Identifiers: Orphanet 774, MedGen C0039445, MONDO:0019180. Disease mechanism: loss of function.

Allele frequency attached by ClinVar (database versions not stated): TOPMed 0.00001.
gnomAD v4.1: 19 of 1,597,644 alleles (0.0012%); highest among the groups gnomAD compares: Non-Finnish European, 0.0014%; no homozygotes.

Submissions (4):

PreventionGenetics, part of Exact Sciences
Classification: Uncertain significance for ENG-related condition. Last evaluated: 2026-06-08. Review status: criteria provided, single submitter. Criteria: ACMG Guidelines, 2015. Collection method: clinical testing. Allele origin: germline.
Comment: The ENG c.565G>T variant is predicted to result in the amino acid substitution p.Asp189Tyr. To our knowledge, this variant has not been reported in the literature. This variant is reported in 0.0011% of alleles in individuals of European (Non-Finnish) descent in gnomAD. At this time, the clinical significance of this variant is uncertain due to the absence of conclusive functional and genetic evidence.

Ambry Genetics
Classification: Uncertain significance for Cardiovascular phenotype. Last evaluated: 2025-12-14. Review status: criteria provided, single submitter. Criteria: Ambry Variant Classification Scheme 2023. Collection method: clinical testing. Allele origin: germline.
Comment: The p.D189Y variant (also known as c.565G>T), located in coding exon 5 of the ENG gene, results from a G to T substitution at nucleotide position 565. The aspartic acid at codon 189 is replaced by tyrosine, an amino acid with highly dissimilar properties. This amino acid position is conserved. In addition, this alteration is predicted to be tolerated by in silico analysis. Based on the available evidence, the clinical significance of this variant remains unclear.

Women's Health and Genetics/Laboratory Corporation of America, LabCorp
Classification: Uncertain significance. Last evaluated: 2025-07-09. Review status: criteria provided, single submitter. Criteria: LabCorp Variant Classification Summary - May 2015. Collection method: clinical testing. Allele origin: germline.
Comment: Variant summary: ENG c.565G>T (p.Asp189Tyr) results in a non-conservative amino acid change in the encoded protein sequence. Algorithms developed to predict the effect of missense changes on protein structure and function are either unavailable or do not agree on the potential impact of this missense change. The variant allele was found at a frequency of 4.6e-06 in 216590 control chromosomes. The available data on variant occurrences in the general population are insufficient to allow any conclusion about variant significance. To our knowledge, no occurrence of c.565G>T in individuals affected with Hereditary Hemorrhagic Telangiectasia and no experimental evidence demonstrating its impact on protein function have been reported. ClinVar contains an entry for this variant (Variation ID: 237028). Based on the evidence outlined above, the variant was classified as uncertain significance.

Labcorp Genetics (formerly Invitae), Labcorp
Classification: Uncertain significance for Hereditary hemorrhagic telangiectasia. Last evaluated: 2022-05-18. Review status: criteria provided, single submitter. Criteria: Invitae Variant Classification Sherloc (09022015). Collection method: clinical testing. Allele origin: germline.
Comment: This sequence change replaces aspartic acid, which is acidic and polar, with tyrosine, which is neutral and polar, at codon 189 of the ENG protein (p.Asp189Tyr). The frequency data for this variant in the population databases is considered unreliable, as metrics indicate poor data quality at this position in the gnomAD database. This variant has not been reported in the literature in individuals affected with ENG-related conditions. ClinVar contains an entry for this variant (Variation ID: 237028). Algorithms developed to predict the effect of missense changes on protein structure and function are either unavailable or do not agree on the potential impact of this missense change (SIFT: "Deleterious"; PolyPhen-2: "Probably Damaging"; Align-GVGD: "Class C0"). In summary, the available evidence is currently insufficient to determine the role of this variant in disease. Therefore, it has been classified as a Variant of Uncertain Significance.

NM_001114753.3(ENG):c.565G>T (p.Asp189Tyr)

Gene: ENG (endoglin; minus strand). Cytogenetic location: 9q34.11.
Variant type: single nucleotide variant.
Coding change: c.565G>T on transcript NM_001114753.3 (MANE Select); coding-DNA position 565, G replaced by T.
Protein change: p.Asp189Tyr; replaces aspartic acid 189 with tyrosine.
Molecular consequence: missense variant.
Genome position (GRCh38, 1-based): chr9:127,825,819, C>A on the plus strand (G>T on the coding strand, the complement: ENG is on the minus strand). VCF-style: chr9-127825819-C-A. GRCh37 (hg19) VCF-style: chr9-130588098-C-A.
Other names: c.565G>T, p.Asp189Tyr (NM_000118.4, NM_001406715.1); c.19G>T, p.Asp7Tyr (NM_001278138.2); c.565G>T (NM_001114753.1); short protein forms D189Y, D7Y.
Identifiers: ClinVar variation 237028 (VCV000237028.12), dbSNP rs147792018, ClinGen allele CA5253088.
Genomic context (GRCh38, chr9:127,825,819, plus strand): 5'-AGTGGCAGCCCCGGACCAAGGCTGGAGTACGCGGCCGCCACTCGAGCGTGCGGCCCATGT[C>A]CTGGCTGGCTTCCAGCATGCAGAAGGACAGTGACCCCTGGGCTGCAGAGACACGCGCACC-3'
Protein context (NP_001108225.1, residues 179-199): LSFCMLEASQ[Asp189Tyr]MGRTLEWRPR